The following is an entry in ClinVar:

ClinVar aggregate classification (germline): Benign (1 of 4 stars; one submission).

Submission:

GeneDx
Classification: Benign. Last evaluated: 2018-06-14. Review status: criteria provided, single submitter. Criteria: GeneDx Variant Classification (06012015). Collection method: clinical testing. Allele origin: germline. Affected: yes.
Comment: This variant is considered likely benign or benign based on one or more of the following criteria: it is a conservative change, it occurs at a poorly conserved position in the protein, it is predicted to be benign by multiple in silico algorithms, and/or has population frequency not consistent with disease.

NM_002693.3(POLG):c.1251-86dup

Genes: POLG (DNA polymerase gamma, catalytic subunit; minus strand), POLGARF (POLG alternative reading frame; minus strand). Cytogenetic location: 15q26.1.
Variant type: Duplication.
Coding change: c.1251-86dup on transcript NM_002693.3 (MANE Select); 86 bases into the intron before coding-DNA position 1251, one base duplicated (G; older notation c.1251-86dupG).
Molecular consequence: intron variant.
Genome position (GRCh38, 1-based): chr15:89,327,435, C duplicated on the plus strand (G on the coding strand, the reverse complement: POLG is on the minus strand); the first of 3 consecutive C bases (chr15:89,327,435-89,327,437); duplicating any one gives the same sequence. VCF-style (leftmost placement, unchanged base first): chr15-89327434-A-AC. GRCh37 (hg19) VCF-style: chr15-89870665-A-AC.
Other names: c.1251-86dup (NM_001126131.2); c.1251-86_1251-85insG (NM_002693.2).
Identifiers: ClinVar variation 674324 (VCV000674324.1), dbSNP rs3176177, ClinGen allele CA274556897.